The following is an entry in ClinVar:

ClinVar aggregate classification (germline): Uncertain significance (1 of 4 stars; one submission).

Conditions:
Hereditary nonpolyposis colorectal neoplasms. Identifiers: MedGen C0009405, MeSH D003123.

Submission:

Labcorp Genetics (formerly Invitae), Labcorp
Classification: Uncertain significance for Hereditary nonpolyposis colorectal neoplasms. Last evaluated: 2025-10-29. Review status: criteria provided, single submitter. Criteria: Invitae Variant Classification Sherloc (09022015). Collection method: clinical testing. Allele origin: germline.
Comment: This sequence change replaces isoleucine, which is neutral and non-polar, with phenylalanine, which is neutral and non-polar, at codon 962 of the MSH6 protein (p.Ile962Phe). This variant is not present in population databases (gnomAD no frequency). This variant has not been reported in the literature in individuals affected with MSH6-related conditions. Invitae Evidence Modeling of protein sequence and biophysical properties (such as structural, functional, and spatial information, amino acid conservation, physicochemical variation, residue mobility, and thermodynamic stability) indicates that this missense variant is not expected to disrupt MSH6 protein function with a negative predictive value of 95%. In summary, the available evidence is currently insufficient to determine the role of this variant in disease. Therefore, it has been classified as a Variant of Uncertain Significance.

NM_000179.3(MSH6):c.2884A>T (p.Ile962Phe)

Gene: MSH6 (mutS homolog 6; plus strand). Cytogenetic location: 2p16.3.
Variant type: single nucleotide variant.
Coding change: c.2884A>T on transcript NM_000179.3 (MANE Select); coding-DNA position 2884, A replaced by T.
Protein change: p.Ile962Phe; replaces isoleucine 962 with phenylalanine.
Molecular consequence: missense variant. On other transcripts: non-coding transcript variant (5), intron variant (2).
Genome position (GRCh38, 1-based): chr2:47,800,867, A>T. VCF-style: chr2-47800867-A-T. GRCh37 (hg19) VCF-style: chr2-48028006-A-T.
Other names: c.2494A>T, p.Ile832Phe (NM_001281492.2); c.1978A>T, p.Ile660Phe (NM_001281493.2, NM_001281494.2, NM_001406811.1 and 6 more transcripts); c.2980A>T, p.Ile994Phe (NM_001406795.1, NM_001406802.1); c.2884A>T, p.Ile962Phe (NM_001406796.1, NM_001406798.1, NM_001406800.1 and 2 more transcripts); c.2587A>T, p.Ile863Phe (NM_001406797.1, NM_001406801.1, NM_001406805.1 and 10 more transcripts); c.2359A>T, p.Ile787Phe (NM_001406799.1, NM_001406806.1, NM_001406807.1); c.2806A>T, p.Ile936Phe (NM_001406804.1); c.2890A>T, p.Ile964Phe (NM_001406813.1); and 4 more; short protein forms I277F, I660F, I787F, I832F, I863F, I906F, I936F, I962F.
Identifiers: ClinVar variation 4800219 (VCV004800219.1).